The following is an entry in ClinVar:

ClinVar aggregate classification (germline): Uncertain significance (1 of 4 stars; one submission).

gnomAD v4.1: 6 of 1,550,342 alleles (0.00039%); highest among the groups gnomAD compares: Admixed American, 0.0073%; no homozygotes.

Submission:

Labcorp Genetics (formerly Invitae), Labcorp
Classification: Uncertain significance. Last evaluated: 2022-10-05. Review status: criteria provided, single submitter. Criteria: Invitae Variant Classification Sherloc (09022015). Collection method: clinical testing. Allele origin: germline.
Comment: This sequence change replaces leucine, which is neutral and non-polar, with histidine, which is basic and polar, at codon 169 of the ADGRV1 protein (p.Leu169His). The frequency data for this variant in the population databases is considered unreliable, as metrics indicate poor data quality at this position in the gnomAD database. This variant has not been reported in the literature in individuals affected with ADGRV1-related conditions. Advanced modeling of protein sequence and biophysical properties (such as structural, functional, and spatial information, amino acid conservation, physicochemical variation, residue mobility, and thermodynamic stability) has been performed at Invitae for this missense variant, however the output from this modeling did not meet the statistical confidence thresholds required to predict the impact of this variant on ADGRV1 protein function. In summary, the available evidence is currently insufficient to determine the role of this variant in disease. Therefore, it has been classified as a Variant of Uncertain Significance.

NM_032119.4(ADGRV1):c.506T>A (p.Leu169His)

Gene: ADGRV1 (adhesion G protein-coupled receptor V1; plus strand). Cytogenetic location: 5q14.3.
Variant type: single nucleotide variant.
Coding change: c.506T>A on transcript NM_032119.4 (MANE Select); coding-DNA position 506, T replaced by A.
Protein change: p.Leu169His; replaces leucine 169 with histidine.
Molecular consequence: missense variant. On other transcripts: non-coding transcript variant (1).
Genome position (GRCh38, 1-based): chr5:90,622,649, T>A. VCF-style: chr5-90622649-T-A. GRCh37 (hg19) VCF-style: chr5-89918466-T-A.
Other names: short protein forms L169H.
Identifiers: ClinVar variation 2177757 (VCV002177757.1), dbSNP rs1363483604, ClinGen allele CA360363300.